The following is an entry in ClinVar:

NM_000124.4(ERCC6):c.1528T>A (p.Tyr510Asn)

Gene: ERCC6 (ERCC excision repair 6, chromatin remodeling factor; minus strand). Cytogenetic location: 10q11.23.
Variant type: single nucleotide variant.
Coding change: c.1528T>A on transcript NM_000124.4 (MANE Select); coding-DNA position 1528, T replaced by A.
Protein change: p.Tyr510Asn; replaces tyrosine 510 with asparagine.
Molecular consequence: missense variant.
Genome position (GRCh38, 1-based): chr10:49,500,695, A>T on the plus strand (T>A on the coding strand, the complement: ERCC6 is on the minus strand). VCF-style: chr10-49500695-A-T. GRCh37 (hg19) VCF-style: chr10-50708741-A-T.
Other names: c.1528T>A, p.Tyr510Asn (NM_001346440.2); short protein forms Y510N.
Identifiers: ClinVar variation 1441057 (VCV001441057.7), dbSNP rs1464456889, ClinGen allele CA376729240.

ClinVar aggregate classification (germline): Uncertain significance. Review status: criteria provided, multiple submitters, no conflicts (2 of 4 stars). 2 submissions from 2 submitters: Uncertain significance (2). Last evaluated 2024-07-23.

Conditions:
Cockayne syndrome type 2 (CSB). Also called: Cockayne Syndrome, Type II; COCKAYNE SYNDROME B. Identifiers: Orphanet 191, Orphanet 90322, MedGen C0751038, MONDO:0019570, OMIM 133540.

Allele frequency attached by ClinVar (database versions not stated): TOPMed below 0.00001; gnomAD exomes 0.00001.
gnomAD v4.1: 18 of 1,613,634 alleles (0.0011%); highest among the groups gnomAD compares: Non-Finnish European, 0.0014%; no homozygotes.

Submissions (2):

Institute of Human Genetics, University of Leipzig Medical Center
Classification: Uncertain significance for Cockayne syndrome type 2. Last evaluated: 2024-07-23. Review status: criteria provided, single submitter. Criteria: ACMG Guidelines, 2015. Collection method: clinical testing. Allele origin: unknown. Inheritance: Autosomal recessive inheritance. Affected: yes.
Comment: Criteria applied: PM2_SUP,PP3

Labcorp Genetics (formerly Invitae), Labcorp
Classification: Uncertain significance. Last evaluated: 2024-03-01. Review status: criteria provided, single submitter. Criteria: Invitae Variant Classification Sherloc (09022015). Collection method: clinical testing. Allele origin: germline.
Comment: This sequence change replaces tyrosine, which is neutral and polar, with asparagine, which is neutral and polar, at codon 510 of the ERCC6 protein (p.Tyr510Asn). This variant is not present in population databases (gnomAD no frequency). This variant has not been reported in the literature in individuals affected with ERCC6-related conditions. ClinVar contains an entry for this variant (Variation ID: 1441057). An algorithm developed to predict the effect of missense changes on protein structure and function (PolyPhen-2) suggests that this variant is likely to be disruptive. In summary, the available evidence is currently insufficient to determine the role of this variant in disease. Therefore, it has been classified as a Variant of Uncertain Significance.